The following is an entry in ClinVar:

ClinVar aggregate classification (germline): Uncertain significance (1 of 4 stars; one submission).

Submission:

GeneDx
Classification: Uncertain significance. Last evaluated: 2022-03-19. Review status: criteria provided, single submitter. Criteria: GeneDx Variant Classification Process June 2021. Collection method: clinical testing. Allele origin: germline. Affected: yes.
Comment: Not observed at significant frequency in large population cohorts (gnomAD); In silico analysis supports that this missense variant has a deleterious effect on protein structure/function; Has not been previously published as pathogenic or benign to our knowledge

NM_024496.4(IRF2BPL):c.1324T>A (p.Tyr442Asn)

Gene: IRF2BPL (interferon regulatory factor 2 binding protein like; minus strand). Cytogenetic location: 14q24.3.
Variant type: single nucleotide variant.
Coding change: c.1324T>A on transcript NM_024496.4 (MANE Select); coding-DNA position 1324, T replaced by A.
Protein change: p.Tyr442Asn; replaces tyrosine 442 with asparagine.
Molecular consequence: missense variant.
Genome position (GRCh38, 1-based): chr14:77,026,469, A>T on the plus strand (T>A on the coding strand, the complement: IRF2BPL is on the minus strand). VCF-style: chr14-77026469-A-T. GRCh37 (hg19) VCF-style: chr14-77492812-A-T.
Other names: short protein forms Y442N.
Identifiers: ClinVar variation 1706093 (VCV001706093.2), dbSNP rs2503075880, ClinGen allele CA390494867.